The following is an entry in ClinVar:

NM_005045.4(RELN):c.67G>A (p.Ala23Thr)

Gene: RELN (reelin; minus strand). Cytogenetic location: 7q22.1.
Variant type: single nucleotide variant.
Coding change: c.67G>A on transcript NM_005045.4 (MANE Select); coding-DNA position 67, G replaced by A.
Protein change: p.Ala23Thr; replaces alanine 23 with threonine.
Molecular consequence: missense variant.
Genome position (GRCh38, 1-based): chr7:103,989,290, C>T on the plus strand (G>A on the coding strand, the complement: RELN is on the minus strand). VCF-style: chr7-103989290-C-T. GRCh37 (hg19) VCF-style: chr7-103629737-C-T.
Other names: c.67G>A, p.Ala23Thr (NM_173054.3); short protein forms A23T.
Identifiers: ClinVar variation 2159418 (VCV002159418.4), dbSNP rs2484918249, ClinGen allele CA368931541.

ClinVar aggregate classification (germline): Uncertain significance (1 of 4 stars; one submission).

Conditions:
Familial temporal lobe epilepsy 7. Identifiers: Orphanet 101046, MedGen C4225327, MONDO:0014639, OMIM 616436.
Norman-Roberts syndrome (LIS2). Also called: Lissencephaly 2 (Norman-Roberts type). Identifiers: Orphanet 89844, MedGen C0796089, MONDO:0009760, OMIM 257320.

Allele frequency attached by ClinVar (database versions not stated): gnomAD exomes below 0.00001.
gnomAD v4.1: 2 of 1,612,972 alleles (0.00012%); highest among the groups gnomAD compares: Non-Finnish European, 0.00017%; no homozygotes.

Submission:

Labcorp Genetics (formerly Invitae), Labcorp
Classification: Uncertain significance for Familial temporal lobe epilepsy 7; Norman-Roberts syndrome. Last evaluated: 2025-03-29. Review status: criteria provided, single submitter. Criteria: Invitae Variant Classification Sherloc (09022015). Collection method: clinical testing. Allele origin: germline.
Comment: This sequence change replaces alanine, which is neutral and non-polar, with threonine, which is neutral and polar, at codon 23 of the RELN protein (p.Ala23Thr). This variant is not present in population databases (gnomAD no frequency). This variant has not been reported in the literature in individuals affected with RELN-related conditions. ClinVar contains an entry for this variant (Variation ID: 2159418). Invitae Evidence Modeling of protein sequence and biophysical properties (such as structural, functional, and spatial information, amino acid conservation, physicochemical variation, residue mobility, and thermodynamic stability) indicates that this missense variant is not expected to disrupt RELN protein function with a negative predictive value of 80%. In summary, the available evidence is currently insufficient to determine the role of this variant in disease. Therefore, it has been classified as a Variant of Uncertain Significance.